The following is an entry in ClinVar:

NM_001953.5(TYMP):c.1159+12G>A

Genes: SCO2 (synthesis of cytochrome C oxidase 2; minus strand), TYMP (thymidine phosphorylase; minus strand), LOC130067862 (ATAC-STARR-seq lymphoblastoid silent region 13986; plus strand). Cytogenetic location: 22q13.33.
Variant type: single nucleotide variant.
Coding change: c.1159+12G>A on transcript NM_001953.5 (MANE Select); 12 bases into the intron after coding-DNA position 1159, G replaced by A.
Molecular consequence: intron variant.
Genome position (GRCh38, 1-based): chr22:50,526,234, C>T on the plus strand (G>A on the coding strand, the complement: TYMP is on the minus strand). VCF-style: chr22-50526234-C-T. GRCh37 (hg19) VCF-style: chr22-50964663-C-T.
Other names: c.-14+12G>A (NM_001169109.2); c.1159+12G>A (NM_001257989.1, NM_001257988.1, NM_001113755.3 and 1 more transcripts).
Identifiers: ClinVar variation 137875 (VCV000137875.33), dbSNP rs202177002, ClinGen allele CA291582.

ClinVar aggregate classification (germline): Benign/Likely benign. Review status: criteria provided, multiple submitters, no conflicts (2 of 4 stars). 5 submissions from 5 submitters: Benign (4); Likely benign (1). Last evaluated 2026-01-28.

Allele frequency attached by ClinVar (database versions not stated): 1000 Genomes Project 30x 0.00406; TOPMed 0.00360; ESP Exome Variant Server 0.00199; 1000 Genomes Project 0.00379.
gnomAD v4.1: 1,050 of 1,529,992 alleles (0.069%); highest among the groups gnomAD compares: African/African-American, 1.3%; 7 homozygotes.

Submissions (5):

Labcorp Genetics (formerly Invitae), Labcorp
Classification: Benign. Last evaluated: 2026-01-28. Review status: criteria provided, single submitter. Criteria: Invitae Variant Classification Sherloc (09022015). Collection method: clinical testing. Allele origin: germline.

Blueprint Genetics
Classification: Likely benign. Last evaluated: 2024-10-23. Review status: criteria provided, single submitter. Criteria: ACMG Guidelines, 2015. Collection method: clinical testing. Allele origin: germline.

CeGaT Center for Human Genetics Tuebingen
Classification: Benign. Last evaluated: 2022-11-01. Review status: criteria provided, single submitter. Criteria: CeGaT Center For Human Genetics Tuebingen Variant Classification Criteria Version 2. Collection method: clinical testing. Allele origin: germline. Affected: yes. Observed: 1 variant allele.
Comment: SCO2: BS1, BS2; TYMP: BS1, BS2

GeneDx
Classification: Benign. Last evaluated: 2011-11-01. Review status: criteria provided, single submitter. Criteria: GeneDx Variant Classification (06012015). Collection method: clinical testing. Allele origin: germline. Affected: yes.
Comment: This variant is considered likely benign or benign based on one or more of the following criteria: it is a conservative change, it occurs at a poorly conserved position in the protein, it is predicted to be benign by multiple in silico algorithms, and/or has population frequency not consistent with disease.

Breakthrough Genomics
Classification: Benign. Review status: criteria provided, single submitter. Criteria: ACMG Guidelines, 2015. Collection method: not provided. Allele origin: germline. Inheritance: Autosomal recessive inheritance. Affected: yes.